The following is an entry in ClinVar:

ClinVar aggregate classification (germline): Uncertain significance (1 of 4 stars; one submission).

Conditions:
EIF5A-related disorder. Also called: EIF5A-related condition.

Submission:

PreventionGenetics, part of Exact Sciences
Classification: Uncertain significance for EIF5A-related condition. Last evaluated: 2026-08-14. Review status: criteria provided, single submitter. Criteria: ACMG Guidelines, 2015. Collection method: clinical testing. Allele origin: germline.
Comment: The EIF5A c.291dupG variant is predicted to result in a frameshift and premature protein termination (p.Tyr98Valfs*19). To our knowledge, this variant has not been reported in a large population database (gnomAD), indicating it is rare. Loss of function is an emerging mechanism of EIF5A-associated disease, primarily when found de novo (ClinVar). Although we suspect that this structural variant may be pathogenic, its clinical significance is classified as uncertain due to the absence of conclusive functional and genetic evidence.

NM_001970.5(EIF5A):c.291dup (p.Tyr98fs)

Gene: EIF5A (eukaryotic translation initiation factor 5A; plus strand). Cytogenetic location: 17p13.1.
Variant type: Duplication.
Coding change: c.291dup on transcript NM_001970.5 (MANE Select); coding-DNA position 291, one base duplicated (G; older notation c.291dupG).
Protein change: p.Tyr98fs; shifts the reading frame from tyrosine 98.
Molecular consequence: frameshift variant.
Genome position (GRCh38, 1-based): chr17:7,311,370, G duplicated; the last of 3 consecutive G bases (chr17:7,311,368-7,311,370); duplicating any one gives the same sequence. VCF-style (leftmost placement, unchanged base first): chr17-7311367-T-TG. GRCh37 (hg19) VCF-style: chr17-7214686-T-TG.
Other names: c.381dup, p.Tyr128fs (NM_001143760.1); c.291dup, p.Tyr98fs (NM_001143761.1, NM_001143762.2, NM_001370420.1 and 1 more transcripts); short protein forms Y128fs, Y98fs.
Identifiers: ClinVar variation 2632765 (VCV002632765.2), dbSNP rs2508675773, ClinGen allele CA2695201246.